The following is an entry in ClinVar:

NM_000548.5(TSC2):c.3803G>C (p.Arg1268Pro)

Gene: TSC2 (TSC complex subunit 2; plus strand). Cytogenetic location: 16p13.3.
Variant type: single nucleotide variant.
Coding change: c.3803G>C on transcript NM_000548.5 (MANE Select); coding-DNA position 3803, G replaced by C.
Protein change: p.Arg1268Pro; replaces arginine 1268 with proline.
Molecular consequence: missense variant. On other transcripts: non-coding transcript variant (5).
Genome position (GRCh38, 1-based): chr16:2,081,787, G>C. VCF-style: chr16-2081787-G-C. GRCh37 (hg19) VCF-style: chr16-2131788-G-C.
Other names: c.3071G>C, p.Arg1024Pro (NM_001406687.1, NM_001406688.1, NM_001318831.2); c.2459G>C, p.Arg820Pro (NM_001406689.1); c.2330G>C, p.Arg777Pro (NM_001406690.1, NM_001406692.1, NM_001406693.1 and 1 more transcripts); c.2327G>C, p.Arg776Pro (NM_001406691.1, NM_001406695.1, NM_001406696.1 and 1 more transcripts); c.3671G>C, p.Arg1224Pro (NM_001077183.3, NM_001370404.1, NM_001406665.1); c.3803G>C, p.Arg1268Pro (NM_001114382.3); c.3563G>C, p.Arg1188Pro (NM_001318827.2); c.3527G>C, p.Arg1176Pro (NM_001318829.2); and 18 more; short protein forms R1024P, R1067P, R1188P, R1255P, R776P, R777P, R1175P, R1187P.
Identifiers: ClinVar variation 2835546 (VCV002835546.4), dbSNP rs200577441, ClinGen allele CA394293588.

ClinVar aggregate classification (germline): Uncertain significance. Review status: criteria provided, multiple submitters, no conflicts (2 of 4 stars). 2 submissions from 2 submitters: Uncertain significance (2). Last evaluated 2025-03-13.

Conditions:
Hereditary cancer-predisposing syndrome. Also called: Neoplastic Syndromes, Hereditary; Tumor predisposition; Hereditary Cancer Syndrome; Hereditary neoplastic syndrome. Identifiers: Orphanet 140162, MedGen C0027672, MeSH D009386, MONDO:0015356.
Tuberous sclerosis 2 (TSC2). Identifiers: Orphanet 805, MedGen C1860707, MONDO:0013199, OMIM 613254.

Submissions (2):

Ambry Genetics
Classification: Uncertain significance for Hereditary cancer-predisposing syndrome. Last evaluated: 2025-03-13. Review status: criteria provided, single submitter. Criteria: Ambry Variant Classification Scheme 2023. Collection method: clinical testing. Allele origin: germline.
Comment: The p.R1268P variant (also known as c.3803G>C), located in coding exon 30 of the TSC2 gene, results from a G to C substitution at nucleotide position 3803. The arginine at codon 1268 is replaced by proline, an amino acid with dissimilar properties. This amino acid position is well conserved in available vertebrate species. In addition, this alteration is predicted to be deleterious by in silico analysis. Based on the available evidence, the clinical significance of this variant remains unclear.

Labcorp Genetics (formerly Invitae), Labcorp
Classification: Uncertain significance for Tuberous sclerosis 2. Last evaluated: 2024-04-30. Review status: criteria provided, single submitter. Criteria: Invitae Variant Classification Sherloc (09022015). Collection method: clinical testing. Allele origin: germline.
Comment: This sequence change replaces arginine, which is basic and polar, with proline, which is neutral and non-polar, at codon 1268 of the TSC2 protein (p.Arg1268Pro). This variant is not present in population databases (gnomAD no frequency). This variant has not been reported in the literature in individuals affected with TSC2-related conditions. Advanced modeling of protein sequence and biophysical properties (such as structural, functional, and spatial information, amino acid conservation, physicochemical variation, residue mobility, and thermodynamic stability) performed at Invitae indicates that this missense variant is not expected to disrupt TSC2 protein function with a negative predictive value of 95%. In summary, the available evidence is currently insufficient to determine the role of this variant in disease. Therefore, it has been classified as a Variant of Uncertain Significance.